The following is an entry in ClinVar:

NM_003002.4(SDHD):c.281C>G (p.Ser94Cys)

Gene: SDHD (succinate dehydrogenase complex subunit D; plus strand). Cytogenetic location: 11q23.1.
Variant type: single nucleotide variant.
Coding change: c.281C>G on transcript NM_003002.4 (MANE Select); coding-DNA position 281, C replaced by G.
Protein change: p.Ser94Cys; replaces serine 94 with cysteine.
Molecular consequence: missense variant. On other transcripts: non-coding transcript variant (1), intron variant (1).
Genome position (GRCh38, 1-based): chr11:112,088,978, C>G. VCF-style: chr11-112088978-C-G. GRCh37 (hg19) VCF-style: chr11-111959702-C-G.
Other names: c.164C>G, p.Ser55Cys (NM_001276504.2); c.281C>G, p.Ser94Cys (NM_001276506.2); c.169+1005C>G (NM_001276503.2); short protein forms S94C, S55C.
Identifiers: ClinVar variation 412506 (VCV000412506.28), dbSNP rs199754684, ClinGen allele CA16613222.

ClinVar aggregate classification (germline): Uncertain significance. Review status: criteria provided, multiple submitters, no conflicts (2 of 4 stars). 11 submissions from 11 submitters: Uncertain significance (10). 1 of the submissions does not count toward it. Last evaluated 2026-08-06.

Conditions:
Paragangliomas with sensorineural hearing loss. Identifiers: MedGen C1868633.
Cowden syndrome 3 (CWS3). Identifiers: Orphanet 201, MedGen CN166604, MONDO:0014045.
Carney-Stratakis syndrome. Also called: PARAGANGLIOMA AND GASTROINTESTINAL STROMAL TUMOR. Identifiers: Orphanet 97286, MedGen C1847319, MONDO:0011740, OMIM 606864.
Pheochromocytoma. Also called: MAX-Related Hereditary Paraganglioma-Pheochromocytoma Syndrome. Identifiers: Orphanet 29072, MedGen C0031511, MONDO:0008233, OMIM 171300, HP:0002666.
SDHD-related disorder. Also called: SDHD-related condition.
Mitochondrial complex 2 deficiency, nuclear type 3. Also called: MITOCHONDRIAL COMPLEX II DEFICIENCY, NUCLEAR TYPE 3. Identifiers: MedGen C5436934, MONDO:0030937, OMIM 619167.
Hereditary cancer-predisposing syndrome. Also called: Neoplastic Syndromes, Hereditary; Tumor predisposition; Hereditary Cancer Syndrome; Hereditary neoplastic syndrome. Identifiers: Orphanet 140162, MedGen C0027672, MeSH D009386, MONDO:0015356.
Hereditary pheochromocytoma and paraganglioma. Also called: Hereditary Paraganglioma-Pheochromocytoma Syndromes; Hereditary paragangliomas and pheochromocytomas; Hereditary pheochromocytoma-paraganglioma. Identifiers: Orphanet 29072, MedGen C4274332, MONDO:0017366.

Allele frequency attached by ClinVar (database versions not stated): gnomAD 0.00001; TOPMed 0.00002.
gnomAD v4.1: 6 of 1,614,032 alleles (0.00037%); highest among the groups gnomAD compares: Admixed American, 0.0033%; no homozygotes.

Submissions (11):

OLLIN Analises Genomicas, OLLIN
Classification: Uncertain significance for Mitochondrial complex 2 deficiency, nuclear type 3. Last evaluated: 2026-08-06. Review status: criteria provided, single submitter. Criteria: ACMG Guidelines 2015 PMID 25741868. Collection method: clinical testing. Allele origin: germline.
Comment: This missense variant, located in exon 3 (of 4), has been reported in ClinVar (accession VCV000650749.24) and in gnomAD with an allele frequency of 0.00037%. However, to our knowledge, it has not been reported in the scientific literature. In silico analysis predicts that this variant has a deleterious effect. This variant is located in a region considered to be a mutational hotspot. According to the currently available evidence, this variant has been classified as uncertain significance (PM1, PM2_P, PP3_M).

Labcorp Genetics (formerly Invitae), Labcorp
Classification: Uncertain significance for Carney-Stratakis syndrome; Paragangliomas with sensorineural hearing loss; Pheochromocytoma; Cowden syndrome 3. Last evaluated: 2026-01-13. Review status: criteria provided, single submitter. Criteria: Invitae Variant Classification Sherloc (09022015). Collection method: clinical testing. Allele origin: germline.
Comment: This sequence change replaces serine, which is neutral and polar, with cysteine, which is neutral and slightly polar, at codon 94 of the SDHD protein (p.Ser94Cys). This variant is present in population databases (no rsID available, gnomAD 0.003%). This variant has not been reported in the literature in individuals affected with SDHD-related conditions. ClinVar contains an entry for this variant (Variation ID: 412506). Invitae Evidence Modeling of protein sequence and biophysical properties (such as structural, functional, and spatial information, amino acid conservation, physicochemical variation, residue mobility, and thermodynamic stability) indicates that this missense variant is expected to disrupt SDHD protein function with a positive predictive value of 95%. In summary, the available evidence is currently insufficient to determine the role of this variant in disease. Therefore, it has been classified as a Variant of Uncertain Significance.

Color Diagnostics, LLC DBA Color Health
Classification: Uncertain significance for Hereditary pheochromocytoma and paraganglioma. Last evaluated: 2025-07-11. Review status: criteria provided, single submitter. Criteria: ACMG Guidelines, 2015. Collection method: clinical testing. Allele origin: germline.
Comment: This missense variant replaces serine with cysteine at codon 94 of the SDHD protein. Computational prediction suggests that this variant may have deleterious impact on protein structure and function. To our knowledge, functional studies have not been reported for this variant. This variant has not been reported in individuals affected with SDHD-related disorders in the literature. This variant has been identified in 2/251480 chromosomes in the general population by the Genome Aggregation Database (gnomAD). The available evidence is insufficient to determine the role of this variant in disease conclusively. Therefore, this variant is classified as a Variant of Uncertain Significance.

Ambry Genetics
Classification: Uncertain significance for Hereditary cancer-predisposing syndrome. Last evaluated: 2025-07-03. Review status: criteria provided, single submitter. Criteria: Ambry Variant Classification Scheme 2023. Collection method: clinical testing. Allele origin: germline.
Comment: The p.S94C variant (also known as c.281C>G), located in coding exon 3 of the SDHD gene, results from a C to G substitution at nucleotide position 281. The serine at codon 94 is replaced by cysteine, an amino acid with dissimilar properties. This amino acid position is highly conserved in available vertebrate species. In addition, this alteration is predicted to be deleterious by in silico analysis. Since supporting evidence is limited at this time, the clinical significance of this alteration remains unclear.

Baylor Genetics
Classification: Uncertain significance for Mitochondrial complex 2 deficiency, nuclear type 3. Last evaluated: 2023-10-17. Review status: criteria provided, single submitter. Criteria: ACMG Guidelines, 2015. Collection method: clinical testing. Allele origin: unknown.

GeneDx
Classification: Uncertain significance. Last evaluated: 2023-08-08. Review status: criteria provided, single submitter. Criteria: GeneDx Variant Classification Process June 2021. Collection method: clinical testing. Allele origin: germline. Affected: yes.
Comment: Not observed at significant frequency in large population cohorts (gnomAD); In silico analysis supports that this missense variant has a deleterious effect on protein structure/function; Has not been previously published as pathogenic or benign to our knowledge

ARUP Laboratories, Molecular Genetics and Genomics, ARUP Laboratories
Classification: Uncertain significance. Last evaluated: 2023-02-28. Review status: criteria provided, single submitter. Criteria: ARUP Molecular Germline Variant Investigation Process 2024. Collection method: clinical testing. Allele origin: germline.
Comment: The SDHD c.281C>G; p.Ser94Cys variant (rs199754684), to our knowledge, is not reported in the medical literature but is reported in ClinVar (Variation ID: 412506). This variant is only found on two alleles in the Genome Aggregation Database, indicating it is not a common polymorphism. Computational analyses predict that this variant is deleterious (REVEL: 0.8). Due to limited information, the clinical significance of this variant is uncertain at this time.

Quest Diagnostics Nichols Institute San Juan Capistrano
Classification: Uncertain significance. Last evaluated: 2022-12-08. Review status: criteria provided, single submitter. Criteria: Quest Diagnostics criteria. Collection method: clinical testing. Allele origin: unknown.
Comment: The variant has not been reported in the published literature. The frequency of this variant in the general population, 0.000008 (2/251480 chromosomes), is uninformative in assessment of its pathogenicity. Analysis of this variant using bioinformatics tools for the prediction of the effect of amino acid changes on protein structure and function yielded conflicting predictions that this variant is deleterious or benign. Based on the available information, we are unable to determine the clinical significance of this variant.

Sema4
Classification: Uncertain significance for Hereditary cancer-predisposing syndrome. Last evaluated: 2021-12-16. Review status: criteria provided, single submitter. Criteria: Sema4 Curation Guidelines. Collection method: curation. Allele origin: germline.
Comment: The SDHD c.281C>G (p.S94C) variant has not been reported in the literature to our knowledge. It was observed in 1/34592 chromosomes of the Latino subpopulation in the large and broad cohorts of the Genome Aggregation Database (PMID: 32461654). The variant has been reported in ClinVar (Variation ID: 412506). In silico tools suggest the impact of the variant on protein function is deleterious, though these predictions have not been confirmed by functional studies. The evidence is insufficient to meet ACMG/AMP criteria for classifying the variant as benign or pathogenic. Thus, the clinical significance of this variant is currently uncertain.

Illumina Laboratory Services, Illumina
Classification: Uncertain significance for Hereditary Paraganglioma-Pheochromocytoma Syndromes. Last evaluated: 2017-04-27. Review status: criteria provided, single submitter. Criteria: ICSL Variant Classification Criteria 13 December 2019. Collection method: clinical testing. Allele origin: germline.
Comment: This variant was observed as part of a predisposition screen in an ostensibly healthy population. A literature search was performed for the gene, cDNA change, and amino acid change (where applicable). Publications were found based on this search. However, the evidence from the literature, in combination with allele frequency data from public databases where available, was not sufficient to rule this variant in or out of causing disease. Therefore, this variant is classified as a variant of unknown significance.

PreventionGenetics, part of Exact Sciences
Classification: Uncertain significance for SDHD-related condition. Last evaluated: 2024-04-27. Review status: no assertion criteria provided. Collection method: clinical testing. Allele origin: germline. Not counted in ClinVar's aggregate classification.
Comment: The SDHD c.281C>G variant is predicted to result in the amino acid substitution p.Ser94Cys. To our knowledge, this variant has not been reported in the literature. This variant is reported in 0.0029% of alleles in individuals of Latino descent in gnomAD. This variant is interpreted as a variant of uncertain significance in ClinVar. At this time, the clinical significance of this variant is uncertain due to the absence of conclusive functional and genetic evidence.

Literature cited by the submitters: PubMed 19454582 (cited by Illumina Laboratory Services, Illumina); PubMed 17576205 (cited by Illumina Laboratory Services, Illumina).